The following is an entry in ClinVar:

NM_032888.4(COL27A1):c.612G>A (p.Pro204=)

Gene: COL27A1 (collagen type XXVII alpha 1 chain; plus strand). Cytogenetic location: 9q32.
Variant type: single nucleotide variant.
Coding change: c.612G>A on transcript NM_032888.4 (MANE Select); coding-DNA position 612, G replaced by A.
Protein change: p.Pro204=; no amino-acid change (proline 204 retained).
Molecular consequence: synonymous variant.
Genome position (GRCh38, 1-based): chr9:114,168,167, G>A. VCF-style: chr9-114168167-G-A. GRCh37 (hg19) VCF-style: chr9-116930447-G-A.
Identifiers: ClinVar variation 745714 (VCV000745714.37), dbSNP rs147140199, ClinGen allele CA5201190.

ClinVar aggregate classification (germline): Benign/Likely benign. Review status: criteria provided, multiple submitters, no conflicts (2 of 4 stars). 5 submissions from 5 submitters: Benign (2); Likely benign (2). 1 of the submissions does not count toward it. Last evaluated 2026-01-12.

Conditions:
COL27A1-related disorder. Also called: COL27A1-related condition.

Allele frequency attached by ClinVar (database versions not stated): 1000 Genomes Project 30x 0.00016; 1000 Genomes Project 0.00020; ExAC 0.00024; gnomAD exomes 0.00025; TOPMed 0.00026; ESP Exome Variant Server 0.00038.
gnomAD v4.1: 289 of 1,613,588 alleles (0.018%); highest among the groups gnomAD compares: Middle Eastern, 0.033%; 1 homozygote.

Submissions (5):

Labcorp Genetics (formerly Invitae), Labcorp
Classification: Benign. Last evaluated: 2026-01-12. Review status: criteria provided, single submitter. Criteria: Invitae Variant Classification Sherloc (09022015). Collection method: clinical testing. Allele origin: germline.

CeGaT Center for Human Genetics Tuebingen
Classification: Likely benign. Last evaluated: 2025-09-01. Review status: criteria provided, single submitter. Criteria: CeGaT Center For Human Genetics Tuebingen Variant Classification Criteria Version 2. Collection method: clinical testing. Allele origin: germline. Affected: yes. Observed: 2 variant alleles.
Comment: COL27A1: BP4, BP7

Blueprint Genetics
Classification: Likely benign. Last evaluated: 2024-10-07. Review status: criteria provided, single submitter. Criteria: ACMG Guidelines, 2015. Collection method: clinical testing. Allele origin: germline.

Breakthrough Genomics
Classification: Benign. Review status: criteria provided, single submitter. Criteria: ACMG Guidelines, 2015. Collection method: not provided. Allele origin: germline. Inheritance: Autosomal recessive inheritance. Affected: yes.

PreventionGenetics, part of Exact Sciences
Classification: Likely benign for COL27A1-related condition. Last evaluated: 2019-08-27. Review status: no assertion criteria provided. Collection method: clinical testing. Allele origin: germline. Not counted in ClinVar's aggregate classification.
Comment: This variant is classified as likely benign based on ACMG/AMP sequence variant interpretation guidelines (Richards et al. 2015 PMID: 25741868, with internal and published modifications).